The following is an entry in ClinVar:

NM_001379029.1(CERT1):c.1418-16_1418-14del

Gene: CERT1 (ceramide transporter 1; minus strand). Cytogenetic location: 5q13.3.
Variant type: Microsatellite.
Coding change: c.1418-16_1418-14del on transcript NM_001379029.1 (MANE Select); 16 bases into the intron before coding-DNA position 1418 through 14 bases into the intron before coding-DNA position 1418, 3 bases deleted (ATT; older notation c.1418-16_1418-14delATT).
Molecular consequence: intron variant.
Genome position (GRCh38, 1-based): chr5:75,384,726-75,384,728, AAT deleted on the plus strand (ATT on the coding strand, the reverse complement: CERT1 is on the minus strand); deleting any 3 consecutive bases within chr5:75,384,726-75,384,733 gives the same sequence; the c. name uses the placement nearest the transcript's 3' end. VCF-style (leftmost placement, unchanged base first): chr5-75384725-GAAT-G. GRCh37 (hg19) VCF-style: chr5-74680550-GAAT-G.
Other names: c.1340-16_1340-14del (NM_001379003.1, NM_031361.3, NM_001379004.1); c.1418-16_1418-14del (NM_001379002.1, NM_005713.3); c.1802-16_1802-14del (NM_001130105.1); c.1802-16_1802-14delATT (NM_001130105.1).
Identifiers: ClinVar variation 3068940 (VCV003068940.1), dbSNP rs754287426, ClinGen allele CA3309029.

ClinVar aggregate classification (germline): Likely benign (1 of 4 stars; one submission).

Submission:

Women's Health and Genetics/Laboratory Corporation of America, LabCorp
Classification: Likely benign. Last evaluated: 2024-02-09. Review status: criteria provided, single submitter. Criteria: LabCorp Variant Classification Summary - May 2015. Collection method: clinical testing. Allele origin: germline.
Comment: Variant summary: COL4A3BP c.1802-16_1802-14delATT alters a conserved nucleotide located at a position not widely known to affect splicing. Consensus agreement among computation tools predict no significant impact on normal splicing. However, these predictions have yet to be confirmed by functional studies. The variant allele was found at a frequency of 1.6e-05 in 246154 control chromosomes. The available data on variant occurrences in the general population are insufficient to allow any conclusion about variant significance. To our knowledge, no occurrence of c.1802-16_1802-14delATT in individuals affected with Intellectual Disability, Autosomal Dominant 34 and no experimental evidence demonstrating its impact on protein function have been reported. No submitters have cited clinical-significance assessments for this variant to ClinVar. Based on the evidence outlined above, the variant was classified as likely benign.